The following is an entry in ClinVar:

ClinVar aggregate classification (germline): Conflicting classifications of pathogenicity. Review status: criteria provided, conflicting classifications (1 of 4 stars). 2 submissions from 2 submitters: Likely pathogenic (1); Uncertain significance (1). Last evaluated 2025-10-22.

Conditions:
Familial thoracic aortic aneurysm and aortic dissection (TAAD). Also called: Thoracic aortic aneurysms and dissections. Identifiers: Orphanet 91387, MedGen C4707243, MONDO:0019625.

Submissions (2):

Labcorp Genetics (formerly Invitae), Labcorp
Classification: Uncertain significance for Familial thoracic aortic aneurysm and aortic dissection. Last evaluated: 2025-10-22. Review status: criteria provided, single submitter. Criteria: Invitae Variant Classification Sherloc (09022015). Collection method: clinical testing. Allele origin: germline.
Comment: This sequence change replaces arginine, which is basic and polar, with glycine, which is neutral and non-polar, at codon 268 of the SMAD3 protein (p.Arg268Gly). This variant is not present in population databases (gnomAD no frequency). This missense change has been observed in individual(s) with clinical features of SMAD3-related conditions (internal data). Invitae Evidence Modeling of protein sequence and biophysical properties (such as structural, functional, and spatial information, amino acid conservation, physicochemical variation, residue mobility, and thermodynamic stability) indicates that this missense variant is expected to disrupt SMAD3 protein function with a positive predictive value of 80%. This variant disrupts the p.Arg268 amino acid residue in SMAD3. Other variant(s) that disrupt this residue have been determined to be pathogenic (PMID: 25944730, 26854089, 29907982; internal data). This suggests that this residue is clinically significant, and that variants that disrupt this residue are likely to be disease-causing. In summary, the available evidence is currently insufficient to determine the role of this variant in disease. Therefore, it has been classified as a Variant of Uncertain Significance.

Centre of Medical Genetics, University of Antwerp
Classification: Likely pathogenic for Familial thoracic aortic aneurysm and aortic dissection. Last evaluated: 2024-09-06. Review status: criteria provided, single submitter. Criteria: ACMG Guidelines, 2015. Collection method: clinical testing. Allele origin: germline. Affected: yes.
Comment: LP(PM1-2, 5; PP3)

Literature cited by the submitters: PubMed 25944730 (cited by Labcorp Genetics (formerly Invitae), Labcorp); PubMed 26854089 (cited by Labcorp Genetics (formerly Invitae), Labcorp); PubMed 29907982 (cited by Labcorp Genetics (formerly Invitae), Labcorp).

NM_005902.4(SMAD3):c.802C>G (p.Arg268Gly)

Gene: SMAD3 (SMAD family member 3; plus strand). Cytogenetic location: 15q22.33.
Variant type: single nucleotide variant.
Coding change: c.802C>G on transcript NM_005902.4 (MANE Select); coding-DNA position 802, C replaced by G.
Protein change: p.Arg268Gly; replaces arginine 268 with glycine.
Molecular consequence: missense variant.
Genome position (GRCh38, 1-based): chr15:67,181,384, C>G. VCF-style: chr15-67181384-C-G. GRCh37 (hg19) VCF-style: chr15-67473722-C-G.
Other names: c.487C>G, p.Arg163Gly (NM_001145102.2, NM_001407016.1); c.670C>G, p.Arg224Gly (NM_001145103.2, NM_001407012.1); c.217C>G, p.Arg73Gly (NM_001145104.2, NM_001407017.1); c.802C>G, p.Arg268Gly (NM_001407011.1, NM_001407013.1); c.655C>G, p.Arg219Gly (NM_001407014.1); c.355C>G, p.Arg119Gly (NM_001407015.1); short protein forms R219G, R268G, R119G, R224G, R163G, R73G.
Identifiers: ClinVar variation 4736684 (VCV004736684.2).